The following is an entry in ClinVar:

NM_016373.4(WWOX):c.184G>A (p.Gly62Arg)

Gene: WWOX (WW domain containing oxidoreductase; plus strand). Cytogenetic location: 16q23.1.
Variant type: single nucleotide variant.
Coding change: c.184G>A on transcript NM_016373.4 (MANE Select); coding-DNA position 184, G replaced by A.
Protein change: p.Gly62Arg; replaces glycine 62 with arginine.
Molecular consequence: missense variant. On other transcripts: 5 prime UTR variant (1), non-coding transcript variant (1).
Genome position (GRCh38, 1-based): chr16:78,109,789, G>A. VCF-style: chr16-78109789-G-A. GRCh37 (hg19) VCF-style: chr16-78143686-G-A.
Other names: c.-156G>A (NM_001291997.2); c.184G>A, p.Gly62Arg (NM_130791.5); c.184G>A (NM_016373.2); short protein forms G62R.
Identifiers: ClinVar variation 938726 (VCV000938726.7), dbSNP rs775696083, ClinGen allele CA8183080.

ClinVar aggregate classification (germline): Uncertain significance. Review status: criteria provided, multiple submitters, no conflicts (2 of 4 stars). 2 submissions from 2 submitters: Uncertain significance (2). Last evaluated 2023-07-10.

Conditions:
Developmental and epileptic encephalopathy, 1 (DEE1). Also called: INFANTILE SPASM SYNDROME, X-LINKED 1; X-linked infantile spasms; West's syndrome; Tonic spasms with clustering, arrest of psychomotor development and hypsarrhythmia on EEG; X-Linked Infantile Spasm Syndrome; OHTAHARA SYNDROME, X-LINKED. Identifiers: MedGen C3463992, MONDO:0010632, OMIM 308350. Disease mechanism: loss of function.
Autosomal recessive spinocerebellar ataxia 12. Also called: SPINOCEREBELLAR ATAXIA WITH MENTAL RETARDATION AND EPILEPSY. Identifiers: Orphanet 284282, MedGen C3280452, MONDO:0013687, OMIM 614322.
Inborn genetic diseases. Identifiers: MedGen C0950123, MeSH D030342.

Allele frequency attached by ClinVar (database versions not stated): gnomAD 0.00001; TOPMed 0.00001; ExAC 0.00002; gnomAD exomes 0.00002 and 0.00003.
gnomAD v4.1: 39 of 1,614,004 alleles (0.0024%); highest among the groups gnomAD compares: Non-Finnish European, 0.0028%; no homozygotes.

Submissions (2):

Ambry Genetics
Classification: Uncertain significance for Inborn genetic diseases. Last evaluated: 2023-07-10. Review status: criteria provided, single submitter. Criteria: Ambry Variant Classification Scheme 2023. Collection method: clinical testing. Allele origin: germline.

Labcorp Genetics (formerly Invitae), Labcorp
Classification: Uncertain significance for Developmental and epileptic encephalopathy, 1; Autosomal recessive spinocerebellar ataxia 12. Last evaluated: 2022-06-28. Review status: criteria provided, single submitter. Criteria: Invitae Variant Classification Sherloc (09022015). Collection method: clinical testing. Allele origin: germline.
Comment: This sequence change replaces glycine, which is neutral and non-polar, with arginine, which is basic and polar, at codon 62 of the WWOX protein (p.Gly62Arg). This variant is present in population databases (rs775696083, gnomAD 0.004%). This variant has not been reported in the literature in individuals affected with WWOX-related conditions. ClinVar contains an entry for this variant (Variation ID: 938726). Algorithms developed to predict the effect of missense changes on protein structure and function are either unavailable or do not agree on the potential impact of this missense change (SIFT: "Not Available"; PolyPhen-2: "Probably Damaging"; Align-GVGD: "Not Available"). Algorithms developed to predict the effect of sequence changes on RNA splicing suggest that this variant may create or strengthen a splice site. In summary, the available evidence is currently insufficient to determine the role of this variant in disease. Therefore, it has been classified as a Variant of Uncertain Significance.